The following is an entry in ClinVar:

ClinVar aggregate classification (germline): Uncertain significance. Review status: criteria provided, multiple submitters, no conflicts (2 of 4 stars). 5 submissions from 5 submitters: Uncertain significance (4). 1 of the submissions does not count toward it. Last evaluated 2025-11-05.

Conditions:
Hereditary cancer-predisposing syndrome. Also called: Tumor predisposition; Hereditary neoplastic syndrome; Neoplastic Syndromes, Hereditary; Hereditary Cancer Syndrome. Identifiers: Orphanet 140162, MedGen C0027672, MeSH D009386, MONDO:0015356.
Familial adenomatous polyposis 1 (FAP1). Also called: FAMILIAL ADENOMATOUS POLYPOSIS 1, ATTENUATED; POLYPOSIS, ADENOMATOUS INTESTINAL. Identifiers: MedGen C2713442, MONDO:0021056, OMIM 175100. Disease mechanism: loss of function.

Allele frequency attached by ClinVar (database versions not stated): ESP Exome Variant Server 0.00008.

Submissions (5):

Labcorp Genetics (formerly Invitae), Labcorp
Classification: Uncertain significance for Familial adenomatous polyposis 1. Last evaluated: 2025-11-05. Review status: criteria provided, single submitter. Criteria: Invitae Variant Classification Sherloc (09022015). Collection method: clinical testing. Allele origin: germline.
Comment: This sequence change replaces serine, which is neutral and polar, with alanine, which is neutral and non-polar, at codon 2468 of the APC protein (p.Ser2468Ala). This variant is present in population databases (rs375586273, gnomAD 0.0009%). This variant has not been reported in the literature in individuals affected with APC-related conditions. ClinVar contains an entry for this variant (Variation ID: 371793). Invitae Evidence Modeling of protein sequence and biophysical properties (such as structural, functional, and spatial information, amino acid conservation, physicochemical variation, residue mobility, and thermodynamic stability) indicates that this missense variant is not expected to disrupt APC protein function with a negative predictive value of 95%. In summary, the available evidence is currently insufficient to determine the role of this variant in disease. Therefore, it has been classified as a Variant of Uncertain Significance.

Color Diagnostics, LLC DBA Color Health
Classification: Uncertain significance for Hereditary cancer-predisposing syndrome. Last evaluated: 2024-08-26. Review status: criteria provided, single submitter. Criteria: ACMG Guidelines, 2015. Collection method: clinical testing. Allele origin: germline.
Comment: This missense variant replaces serine with alanine at codon 2468 of the APC protein. Computational prediction suggests that this variant may not impact protein structure and function (internally defined REVEL score threshold <= 0.5, PMID: 27666373). To our knowledge, functional studies have not been reported for this variant. This variant has not been reported in individuals affected with APC-related disorders in the literature. This variant has been identified in 1/251118 chromosomes in the general population by the Genome Aggregation Database (gnomAD). The available evidence is insufficient to determine the role of this variant in disease conclusively. Therefore, this variant is classified as a Variant of Uncertain Significance.

Ambry Genetics
Classification: Uncertain significance for Hereditary cancer-predisposing syndrome. Last evaluated: 2024-01-09. Review status: criteria provided, single submitter. Criteria: Ambry Variant Classification Scheme 2023. Collection method: clinical testing. Allele origin: germline.
Comment: The p.S2468A variant (also known as c.7402T>G), located in coding exon 15 of the APC gene, results from a T to G substitution at nucleotide position 7402. The serine at codon 2468 is replaced by alanine, an amino acid with similar properties. This amino acid position is highly conserved in available vertebrate species. In addition, in silico predictors for this gene do not accurately predict pathogenicity. Since supporting evidence is limited at this time, the clinical significance of this alteration remains unclear.

Myriad Genetics, Inc.
Classification: Uncertain significance for Familial adenomatous polyposis 1. Last evaluated: 2023-02-14. Review status: criteria provided, single submitter. Criteria: Myriad Autosomal Dominant, Autosomal Recessive and X-Linked Classification Criteria (2023). Collection method: clinical testing. Allele origin: unknown.
Comment: This variant is classified as a variant of uncertain significance as there is insufficient evidence to determine its impact on protein function and/or cancer risk.

Counsyl
Classification: Uncertain significance for Familial adenomatous polyposis 1. Last evaluated: 2015-11-23. Review status: no assertion criteria provided. Collection method: clinical testing. Allele origin: unknown. Not counted in ClinVar's aggregate classification.

NM_000038.6(APC):c.7402T>G (p.Ser2468Ala)

Gene: APC (APC regulator of Wnt signaling pathway; plus strand). Cytogenetic location: 5q22.2.
Variant type: single nucleotide variant.
Coding change: c.7402T>G on transcript NM_000038.6 (MANE Select); coding-DNA position 7402, T replaced by G.
Protein change: p.Ser2468Ala; replaces serine 2468 with alanine.
Molecular consequence: missense variant.
Genome position (GRCh38, 1-based): chr5:112,842,996, T>G. VCF-style: chr5-112842996-T-G. GRCh37 (hg19) VCF-style: chr5-112178693-T-G.
Other names: c.7402T>G, p.Ser2468Ala (NM_001127510.3, NM_001354895.2); c.7348T>G, p.Ser2450Ala (NM_001127511.3); c.7456T>G, p.Ser2486Ala (NM_001354896.2); c.7432T>G, p.Ser2478Ala (NM_001354897.2); c.7327T>G, p.Ser2443Ala (NM_001354898.2); c.7318T>G, p.Ser2440Ala (NM_001354899.2); c.7279T>G, p.Ser2427Ala (NM_001354900.2); c.7225T>G, p.Ser2409Ala (NM_001354901.2); and 5 more; short protein forms S2450A, S2468A, S2185A, S2367A, S2443A, S2478A, S2486A, S2308A.
Identifiers: ClinVar variation 371793 (VCV000371793.16), dbSNP rs375586273, ClinGen allele CA047997.
Genomic context (GRCh38, chr5:112,842,996, plus strand): 5'-CCAAGCCCAACCTTAAGAAGAAAATTGGAGGAATCTGCTTCATTTGAATCTCTTTCTCCA[T>G]CATCTAGACCAGCTTCTCCCACTAGGTCCCAGGCACAAACTCCAGTTTTAAGTCCTTCCC-3'
Protein context (NP_000029.2, residues 2458-2478): ESASFESLSP[Ser2468Ala]SRPASPTRSQ